The following is an entry in ClinVar:

ClinVar aggregate classification (germline): Pathogenic. Review status: criteria provided, multiple submitters, no conflicts (2 of 4 stars). 4 submissions from 4 submitters: Pathogenic (3). 1 of the submissions does not count toward it. Last evaluated 2026-07-14.

Conditions:
TSC2-related disorder. Also called: TSC2-Related Disorders; TSC2-related condition.
Tuberous sclerosis syndrome (TSC). Also called: Tuberous Sclerosis Complex; Tuberous sclerosis. Identifiers: Orphanet 805, MedGen C0041341, MONDO:0001734.
Tuberous sclerosis 2 (TSC2). Identifiers: Orphanet 805, MedGen C1860707, MONDO:0013199, OMIM 613254.

Submissions (4):

PreventionGenetics, part of Exact Sciences
Classification: Pathogenic for TSC2-related condition. Last evaluated: 2026-07-14. Review status: criteria provided, single submitter. Criteria: ACMG Guidelines, 2015. Collection method: clinical testing. Allele origin: germline.
Comment: The TSC2 c.894dupT variant is predicted to result in a frameshift and premature protein termination (p.Val299Cysfs*39). This variant has been reported in an individual with tuberous sclerosis complex with bilateral renal angiomyolipoma (Larrazabal et al. 2021. PubMed ID: 34344650). It has been reported as a mosaic variant in umbilical cord and rhabdomyoma tissue from a fetus with cardiac rhabdomyoma (Wang et al. 2021. PubMed ID: 34480426). This variant has not been reported in a large population database (gnomad), indicating this variant is rare. It is interpreted as pathogenic in ClinVar (Variation ID: 49935). Frameshift variants in TSC2 are expected to be pathogenic. This variant is interpreted as pathogenic.

NHS Central & South Genomic Laboratory Hub
Classification: Pathogenic for Tuberous sclerosis. Last evaluated: 2025-10-21. Review status: criteria provided, single submitter. Criteria: ACMG Guidelines, 2015. Collection method: clinical testing. Allele origin: germline. Affected: yes.

Labcorp Genetics (formerly Invitae), Labcorp
Classification: Pathogenic for Tuberous sclerosis 2. Last evaluated: 2020-10-05. Review status: criteria provided, single submitter. Criteria: Invitae Variant Classification Sherloc (09022015). Collection method: clinical testing. Allele origin: germline.
Comment: This variant has been reported in individuals in the Leiden Open-source Variation Database (PMID: 21520333). ClinVar contains an entry for this variant (Variation ID: 49935). This variant is not present in population databases (ExAC no frequency). This sequence change creates a premature translational stop signal (p.Val299Cysfs*39) in the TSC2 gene. It is expected to result in an absent or disrupted protein product. Loss-of-function variants in TSC2 are known to be pathogenic (PMID: 10205261, 17304050). For these reasons, this variant has been classified as Pathogenic.

Tuberous sclerosis database (TSC2)
No classification provided. Condition: TSC. Review status: no classification provided. Criteria: Tuberous Sclerosis Database Assertion Criteria 2015. Collection method: curation. Allele origin: germline. Affected: yes. Not counted in ClinVar's aggregate classification.

Literature cited by the submitters: PubMed 21520333 (cited by Labcorp Genetics (formerly Invitae), Labcorp); PubMed 10205261 (cited by Labcorp Genetics (formerly Invitae), Labcorp); PubMed 17304050 (cited by Labcorp Genetics (formerly Invitae), Labcorp).

NM_000548.5(TSC2):c.894dup (p.Val299fs)

Gene: TSC2 (TSC complex subunit 2; plus strand). Cytogenetic location: 16p13.3.
Variant type: Duplication.
Coding change: c.894dup on transcript NM_000548.5 (MANE Select); coding-DNA position 894, one base duplicated (T; older notation c.894dupT).
Protein change: p.Val299fs; shifts the reading frame from valine 299.
Molecular consequence: frameshift variant.
Genome position (GRCh38, 1-based): chr16:2,058,792, T duplicated; the last of 6 consecutive T bases (chr16:2,058,787-2,058,792); duplicating any one gives the same sequence. VCF-style (leftmost placement, unchanged base first): chr16-2058786-G-GT. GRCh37 (hg19) VCF-style: chr16-2108787-G-GT.
Other names: c.894dup, p.Val299fs (NM_001077183.3, NM_001114382.3, NM_001363528.2 and 3 more transcripts); c.783dup, p.Val262fs (NM_001318827.2); c.747dup, p.Val250fs (NM_001318829.2); c.294dup, p.Val99fs (NM_001318831.2); c.927dup, p.Val310fs (NM_001318832.2); c.894dupT (NM_000548.4); short protein forms V250fs, V310fs, V99fs, V262fs, V299fs.
Identifiers: ClinVar variation 49935 (VCV000049935.13), dbSNP rs137854024, ClinGen allele CA023085.